The following is an entry in ClinVar:

NM_001379270.1(CNGA1):c.794A>T (p.Glu265Val)

Genes: CNGA1 (cyclic nucleotide gated channel subunit alpha 1; minus strand), LOC101927157 (uncharacterized LOC101927157; plus strand). Cytogenetic location: 4p12.
Variant type: single nucleotide variant.
Coding change: c.794A>T on transcript NM_001379270.1 (MANE Select); coding-DNA position 794, A replaced by T.
Protein change: p.Glu265Val; replaces glutamic acid 265 with valine.
Molecular consequence: missense variant.
Genome position (GRCh38, 1-based): chr4:47,937,688, T>A on the plus strand (A>T on the coding strand, the complement: CNGA1 is on the minus strand). VCF-style: chr4-47937688-T-A. GRCh37 (hg19) VCF-style: chr4-47939705-T-A.
Other names: c.794A>T, p.Glu265Val (NM_000087.5, NM_001142564.2); short protein forms E265V.
Identifiers: ClinVar variation 1366400 (VCV001366400.8), dbSNP rs1273672526, ClinGen allele CA356828176.
Genomic context (GRCh38, chr4:47,937,688, plus strand): 5'-TCTGTTCTCTGGAAGAACTCAAACATACGAGAGAACCGTAACAACCTGTTTAATCTAATT[T>A]CTGGATAGTTCCACCCTAACTTAAAATACAGCAAATCAGTTGGTATCAGTGACAGAACAT-3'
Protein context (NP_001366199.1, residues 255-275): LYFKLGWNYP[Glu265Val]IRLNRLLRFS

ClinVar aggregate classification (germline): Uncertain significance (1 of 4 stars; one submission).

Allele frequency attached by ClinVar (database versions not stated): gnomAD exomes below 0.00001; TOPMed below 0.00001.
gnomAD v4.1: 1 of 1,614,178 alleles (0.000062%); highest among the groups gnomAD compares: Non-Finnish European, 0.000085%; no homozygotes.

Submission:

Labcorp Genetics (formerly Invitae), Labcorp
Classification: Uncertain significance. Last evaluated: 2023-10-03. Review status: criteria provided, single submitter. Criteria: Invitae Variant Classification Sherloc (09022015). Collection method: clinical testing. Allele origin: germline.
Comment: This sequence change replaces glutamic acid, which is acidic and polar, with valine, which is neutral and non-polar, at codon 269 of the CNGA1 protein (p.Glu269Val). This variant is not present in population databases (gnomAD no frequency). This variant has not been reported in the literature in individuals affected with CNGA1-related conditions. ClinVar contains an entry for this variant (Variation ID: 1366400). Advanced modeling of protein sequence and biophysical properties (such as structural, functional, and spatial information, amino acid conservation, physicochemical variation, residue mobility, and thermodynamic stability) performed at Invitae indicates that this missense variant is not expected to disrupt CNGA1 protein function. In summary, the available evidence is currently insufficient to determine the role of this variant in disease. Therefore, it has been classified as a Variant of Uncertain Significance.